The following is an entry in ClinVar:

NM_001283009.2(RTEL1):c.922C>G (p.Leu308Val)

Genes: RTEL1 (regulator of telomere elongation helicase 1; plus strand), RTEL1-TNFRSF6B (RTEL1-TNFRSF6B readthrough (NMD candidate); plus strand). Cytogenetic location: 20q13.33.
Variant type: single nucleotide variant.
Coding change: c.922C>G on transcript NM_001283009.2 (MANE Select); coding-DNA position 922, C replaced by G.
Protein change: p.Leu308Val; replaces leucine 308 with valine.
Molecular consequence: missense variant. On other transcripts: non-coding transcript variant (1).
Genome position (GRCh38, 1-based): chr20:63,678,147, C>G. VCF-style: chr20-63678147-C-G. GRCh37 (hg19) VCF-style: chr20-62309500-C-G.
Other names: c.253C>G, p.Leu85Val (NM_001283010.1); c.922C>G, p.Leu308Val (NM_016434.4); c.994C>G, p.Leu332Val (NM_032957.5); short protein forms L85V, L308V, L332V.
Identifiers: ClinVar variation 4629653 (VCV004629653.1).
Genomic context (GRCh38, chr20:63,678,147, plus strand): 5'-GCGGGGTTGTTGGCACGAGCGTGATGCAGACTGCCTTTGCTGCCTTTCTCTTGCCCAGGG[C>G]TGAACATGGAGCTGGAAGACATTGCAAAGCTGAAGAGTAAGTGTTGCCCTCCCCGCCTCC-3'
Protein context (NP_001269938.1, residues 298-318): EFSADSPSPG[Leu308Val]NMELEDIAKL

ClinVar aggregate classification (germline): Uncertain significance (1 of 4 stars; one submission).

Conditions:
Inborn genetic diseases. Identifiers: MedGen C0950123, MeSH D030342.

Submission:

Ambry Genetics
Classification: Uncertain significance for Inborn genetic diseases. Last evaluated: 2025-12-11. Review status: criteria provided, single submitter. Criteria: Ambry Variant Classification Scheme 2023. Collection method: clinical testing. Allele origin: germline.
Comment: The p.L308V variant (also known as c.922C>G), located in coding exon 10 of the RTEL1 gene, results from a C to G substitution at nucleotide position 922. The leucine at codon 308 is replaced by valine, an amino acid with highly similar properties. This amino acid position is conserved. In addition, the in silico prediction for this alteration is inconclusive. Based on the available evidence, the clinical significance of this variant remains unclear.